The following is an entry in ClinVar:

ClinVar aggregate classification (germline): Uncertain significance (1 of 4 stars; one submission).

Conditions:
Bethlem myopathy 1A. Also called: MYOPATHY, BENIGN CONGENITAL, WITH CONTRACTURES; Bethlem myopathy 1; Bethlem Muscular Dystrophy. Identifiers: Orphanet 610, MedGen CN029274, MONDO:0024530, OMIM 158810.

gnomAD v4.1: 3 of 1,614,010 alleles (0.00019%); highest among the groups gnomAD compares: South Asian, 0.0022%; no homozygotes.

Submission:

Labcorp Genetics (formerly Invitae), Labcorp
Classification: Uncertain significance for Bethlem myopathy 1A. Last evaluated: 2025-12-14. Review status: criteria provided, single submitter. Criteria: Invitae Variant Classification Sherloc (09022015). Collection method: clinical testing. Allele origin: germline.
Comment: This sequence change replaces aspartic acid, which is acidic and polar, with glycine, which is neutral and non-polar, at codon 883 of the COL6A3 protein (p.Asp883Gly). This variant is not present in population databases (gnomAD no frequency). This variant has not been reported in the literature in individuals affected with COL6A3-related conditions. Invitae Evidence Modeling of protein sequence and biophysical properties (such as structural, functional, and spatial information, amino acid conservation, physicochemical variation, residue mobility, and thermodynamic stability) indicates that this missense variant is not expected to disrupt COL6A3 protein function with a negative predictive value of 80%. In summary, the available evidence is currently insufficient to determine the role of this variant in disease. Therefore, it has been classified as a Variant of Uncertain Significance.

NM_004369.4(COL6A3):c.2648A>G (p.Asp883Gly)

Gene: COL6A3 (collagen type VI alpha 3 chain; minus strand). Cytogenetic location: 2q37.3.
Variant type: single nucleotide variant.
Coding change: c.2648A>G on transcript NM_004369.4 (MANE Select); coding-DNA position 2648, A replaced by G.
Protein change: p.Asp883Gly; replaces aspartic acid 883 with glycine.
Molecular consequence: missense variant.
Genome position (GRCh38, 1-based): chr2:237,377,194, T>C on the plus strand (A>G on the coding strand, the complement: COL6A3 is on the minus strand). VCF-style: chr2-237377194-T-C. GRCh37 (hg19) VCF-style: chr2-238285837-T-C.
Other names: c.1427A>G, p.Asp476Gly (NM_057164.5); c.2030A>G, p.Asp677Gly (NM_057165.5, NM_057167.4); c.827A>G, p.Asp276Gly (NM_057166.5); short protein forms D276G, D476G, D677G, D883G.
Identifiers: ClinVar variation 4808965 (VCV004808965.1).